The following is an entry in ClinVar:

NM_001374736.1(DST):c.21865-15T>A

Gene: DST (dystonin; minus strand). Cytogenetic location: 6p12.1.
Variant type: single nucleotide variant.
Coding change: c.21865-15T>A on transcript NM_001374736.1 (MANE Select); 15 bases into the intron before coding-DNA position 21865, T replaced by A.
Molecular consequence: intron variant.
Genome position (GRCh38, 1-based): chr6:56,474,017, A>T on the plus strand (T>A on the coding strand, the complement: DST is on the minus strand). VCF-style: chr6-56474017-A-T. GRCh37 (hg19) VCF-style: chr6-56338815-A-T.
Other names: c.15508-15T>A (NM_001144769.5); c.21865-15T>A (NM_001374722.1); c.21892-15T>A (NM_001374734.1); c.15094-15T>A (NM_001144770.2); c.14647-15T>A (NM_001374730.1); c.14974-15T>A (NM_001386100.1, NM_183380.4); c.20905-15T>A (NM_001374729.1); c.13996-15T>A (NM_015548.5).
Identifiers: ClinVar variation 2158869 (VCV002158869.3), dbSNP rs896126666, ClinGen allele CA567375184.
Genomic context (GRCh38, chr6:56,474,017, plus strand): 5'-CTTTATCAACATCAGGCTGTTTTCTGGTCATTTCCTCCATGAAGGTCTGAAATGAAAGAA[A>T]TGATGTCAATCAAATAAGAGTTACTACAGAAAACCGTCTTTAGAAATGAACTAAAAGCAG-3'

ClinVar aggregate classification (germline): Uncertain significance (1 of 4 stars; one submission).

Conditions:
Hereditary sensory and autonomic neuropathy type 6. Also called: HSAN VI; Neuropathy, hereditary sensory and autonomic, type VI. Identifiers: Orphanet 314381, MedGen C3539003, MONDO:0013839, OMIM 614653.
Epidermolysis bullosa simplex 3, localized or generalized intermediate, with BP230 deficiency (EBS3). Also called: Epidermolysis bullosa simplex due to BP230 deficiency; Epidermolysis bullosa simplex, autosomal recessive 2. Identifiers: Orphanet 412181, MedGen C3809470, MONDO:0014180, OMIM 615425.

Allele frequency attached by ClinVar (database versions not stated): gnomAD 0.00001.
gnomAD v4.1: 7 of 1,564,188 alleles (0.00045%); highest among the groups gnomAD compares: East Asian, 0.016%; no homozygotes.

Submission:

Labcorp Genetics (formerly Invitae), Labcorp
Classification: Uncertain significance for Epidermolysis bullosa simplex 3, localized or generalized intermediate, with BP230 deficiency; Hereditary sensory and autonomic neuropathy type 6. Last evaluated: 2022-06-24. Review status: criteria provided, single submitter. Criteria: Invitae Variant Classification Sherloc (09022015). Collection method: clinical testing. Allele origin: germline.
Comment: This variant is present in population databases (no rsID available, gnomAD 0.04%). In summary, the available evidence is currently insufficient to determine the role of this variant in disease. Therefore, it has been classified as a Variant of Uncertain Significance. Experimental studies and prediction algorithms are not available or were not evaluated, and the effect of this variant on mRNA splicing is currently unknown. This variant has not been reported in the literature in individuals affected with DST-related conditions. This sequence change falls in intron 73 of the DST gene. It does not directly change the encoded amino acid sequence of the DST protein. The DST gene has multiple clinically relevant transcripts. This variant occurs in alternate transcript NM_015548.4, and corresponds to NM_001723.5:c.*141500T>A in the primary transcript.